The following is an entry in ClinVar:

ClinVar aggregate classification (germline): Uncertain significance. Review status: criteria provided, multiple submitters, no conflicts (2 of 4 stars). 2 submissions from 2 submitters: Uncertain significance (2). Last evaluated 2021-04-07.

Conditions:
Hereditary cancer-predisposing syndrome. Also called: Neoplastic Syndromes, Hereditary; Tumor predisposition; Hereditary Cancer Syndrome; Hereditary neoplastic syndrome. Identifiers: Orphanet 140162, MedGen C0027672, MeSH D009386, MONDO:0015356.
Ataxia-telangiectasia syndrome (AT). Also called: ATAXIA-TELANGIECTASIA, COMPLEMENTATION GROUP A; ATAXIA-TELANGIECTASIA, FRESNO VARIANT; Ataxia-telangiectasia; Ataxia-telangiectasia, complementation group D; AT, COMPLEMENTATION GROUP C; Ataxia-telangiectasia, complementation group E. Identifiers: Orphanet 100, MedGen C0004135, MONDO:0008840, OMIM 208900.

Submissions (2):

Ambry Genetics
Classification: Uncertain significance for Hereditary cancer-predisposing syndrome. Last evaluated: 2021-04-07. Review status: criteria provided, single submitter. Criteria: Ambry Variant Classification Scheme 2023. Collection method: clinical testing. Allele origin: germline.
Comment: The p.S794R variant (also known as c.2382T>A), located in coding exon 15 of the ATM gene, results from a T to A substitution at nucleotide position 2382. The serine at codon 794 is replaced by arginine, an amino acid with dissimilar properties. This amino acid position is not well conserved in available vertebrate species. In addition, this alteration is predicted to be tolerated by in silico analysis. Since supporting evidence is limited at this time, the clinical significance of this alteration remains unclear.

Labcorp Genetics (formerly Invitae), Labcorp
Classification: Uncertain significance for Ataxia-telangiectasia syndrome. Last evaluated: 2017-12-18. Review status: criteria provided, single submitter. Criteria: Invitae Variant Classification Sherloc (09022015). Collection method: clinical testing. Allele origin: germline.
Comment: This sequence change replaces serine with arginine at codon 794 of the ATM protein (p.Ser794Arg). The serine residue is weakly conserved and there is a moderate physicochemical difference between serine and arginine. This variant is not present in population databases (ExAC no frequency). This variant has not been reported in the literature in individuals with ATM-related disease. Algorithms developed to predict the effect of missense changes on protein structure and function (SIFT, PolyPhen-2, Align-GVGD) all suggest that this variant is likely to be tolerated, but these predictions have not been confirmed by published functional studies and their clinical significance is uncertain. In summary, the available evidence is currently insufficient to determine the role of this variant in disease. Therefore, it has been classified as a Variant of Uncertain Significance.

NM_000051.4(ATM):c.2382T>A (p.Ser794Arg)

Gene: ATM (ATM serine/threonine kinase; plus strand). Cytogenetic location: 11q22.3.
Variant type: single nucleotide variant.
Coding change: c.2382T>A on transcript NM_000051.4 (MANE Select); coding-DNA position 2382, T replaced by A.
Protein change: p.Ser794Arg; replaces serine 794 with arginine.
Molecular consequence: missense variant.
Genome position (GRCh38, 1-based): chr11:108,258,991, T>A. VCF-style: chr11-108258991-T-A. GRCh37 (hg19) VCF-style: chr11-108129718-T-A.
Other names: c.2382T>A, p.Ser794Arg (NM_001351834.2); short protein forms S794R.
Identifiers: ClinVar variation 524238 (VCV000524238.10), dbSNP rs1555076601, ClinGen allele CA382541027.